The following is an entry in ClinVar:

NM_001130438.3(SPTAN1):c.353A>C (p.Glu118Ala)

Gene: SPTAN1 (spectrin alpha, non-erythrocytic 1; plus strand). Cytogenetic location: 9q34.11.
Variant type: single nucleotide variant.
Coding change: c.353A>C on transcript NM_001130438.3 (MANE Select); coding-DNA position 353, A replaced by C.
Protein change: p.Glu118Ala; replaces glutamic acid 118 with alanine.
Molecular consequence: missense variant.
Genome position (GRCh38, 1-based): chr9:128,568,887, A>C. VCF-style: chr9-128568887-A-C. GRCh37 (hg19) VCF-style: chr9-131331166-A-C.
Other names: c.353A>C (NM_001130438.2); c.353A>C, p.Glu118Ala (NM_001195532.2, NM_001363759.2, NM_001363765.2 and 5 more transcripts); c.389A>C, p.Glu130Ala (NM_001375312.2, NM_001375318.1); short protein forms E118A, E130A.
Identifiers: ClinVar variation 1414852 (VCV001414852.10), dbSNP rs1360328239, ClinGen allele CA375051292.
Genomic context (GRCh38, chr9:128,568,887, plus strand): 5'-CCATTGTTAAGCTGGATGAAACTGGAAACCTGATGATCTCAGAAGGGCATTTTGCATCTG[A>C]AACCATACGGGTGAGTATGAGTAGCTCGTGGAGTGGATGGCTTCATCTGGGTGGAGCATT-3'
Protein context (NP_001123910.1, residues 108-128): LMISEGHFAS[Glu118Ala]TIRTRLMELH

ClinVar aggregate classification (germline): Uncertain significance. Review status: criteria provided, multiple submitters, no conflicts (2 of 4 stars). 2 submissions from 2 submitters: Uncertain significance (2). Last evaluated 2025-05-23.

Conditions:
Early-infantile DEE. Also called: Early infantile epileptic encephalopathy; Ohtahara syndrome; Early infantile epileptic encephalopathy with suppression bursts. Identifiers: Orphanet 1934, MedGen C0393706, MONDO:0800491.
Inborn genetic diseases. Identifiers: MedGen C0950123, MeSH D030342.

Allele frequency attached by ClinVar (database versions not stated): gnomAD exomes below 0.00001; gnomAD 0.00001; TOPMed 0.00003.
gnomAD v4.1: 4 of 1,614,012 alleles (0.00025%); highest among the groups gnomAD compares: Admixed American, 0.005%; no homozygotes.

Submissions (2):

Ambry Genetics
Classification: Uncertain significance for Inborn genetic diseases. Last evaluated: 2025-05-23. Review status: criteria provided, single submitter. Criteria: Ambry Variant Classification Scheme 2023. Collection method: clinical testing. Allele origin: germline.

Labcorp Genetics (formerly Invitae), Labcorp
Classification: Uncertain significance for Early-infantile DEE. Last evaluated: 2025-03-29. Review status: criteria provided, single submitter. Criteria: Invitae Variant Classification Sherloc (09022015). Collection method: clinical testing. Allele origin: germline.
Comment: This sequence change replaces glutamic acid, which is acidic and polar, with alanine, which is neutral and non-polar, at codon 118 of the SPTAN1 protein (p.Glu118Ala). This variant is present in population databases (no rsID available, gnomAD 0.0009%). This variant has not been reported in the literature in individuals affected with SPTAN1-related conditions. ClinVar contains an entry for this variant (Variation ID: 1414852). Invitae Evidence Modeling of protein sequence and biophysical properties (such as structural, functional, and spatial information, amino acid conservation, physicochemical variation, residue mobility, and thermodynamic stability) has been performed for this missense variant. However, the output from this modeling did not meet the statistical confidence thresholds required to predict the impact of this variant on SPTAN1 protein function. In summary, the available evidence is currently insufficient to determine the role of this variant in disease. Therefore, it has been classified as a Variant of Uncertain Significance.